The following is an entry in ClinVar:

ClinVar aggregate classification (germline): Uncertain significance (1 of 4 stars; one submission).

Conditions:
Chédiak-Higashi syndrome (CHS). Also called: Chediak-Higashi Syndrome. Identifiers: Orphanet 167, MedGen C0007965, MONDO:0008963, OMIM 214500.

Submission:

Labcorp Genetics (formerly Invitae), Labcorp
Classification: Uncertain significance for Chédiak-Higashi syndrome. Last evaluated: 2025-02-20. Review status: criteria provided, single submitter. Criteria: Invitae Variant Classification Sherloc (09022015). Collection method: clinical testing. Allele origin: germline.
Comment: This variant, c.6336_6338del, results in the deletion of 1 amino acid(s) of the LYST protein (p.Ser2113del), but otherwise preserves the integrity of the reading frame. This variant is not present in population databases (gnomAD no frequency). This variant has not been reported in the literature in individuals affected with LYST-related conditions. Experimental studies and prediction algorithms are not available or were not evaluated, and the functional significance of this variant is currently unknown. In summary, the available evidence is currently insufficient to determine the role of this variant in disease. Therefore, it has been classified as a Variant of Uncertain Significance.

NM_000081.4(LYST):c.6333TTC[1] (p.Ser2113del)

Gene: LYST (lysosomal trafficking regulator; minus strand). Cytogenetic location: 1q42.3.
Variant type: Microsatellite.
Coding change: c.6333TTC[1] on transcript NM_000081.4 (MANE Select); one copy of the 3-base unit TTC starting at c.6333; the reference has two copies in a row; one copy, 3 bases deleted.
Protein change: p.Ser2113del; deletes serine 2113.
Genome position (GRCh38, 1-based): chr1:235,759,515-235,759,517, GAA deleted on the plus strand (TTC on the coding strand, the reverse complement: LYST is on the minus strand); deleting any 3 consecutive bases within chr1:235,759,515-235,759,521 gives the same sequence; the position shown is the placement nearest the transcript's 3' end. VCF-style (leftmost placement, unchanged base first): chr1-235759514-TGAA-T. GRCh37 (hg19) VCF-style: chr1-235922814-TGAA-T.
Other names: c.6333TTC[1], p.Ser2113del (NM_001301365.1); short protein forms S2113del.
Identifiers: ClinVar variation 4811519 (VCV004811519.1).